The following is an entry in ClinVar:

NM_017636.4(TRPM4):c.1390T>G (p.Tyr464Asp)

Gene: TRPM4 (transient receptor potential cation channel subfamily M member 4; plus strand). Cytogenetic location: 19q13.33.
Variant type: single nucleotide variant.
Coding change: c.1390T>G on transcript NM_017636.4 (MANE Select); coding-DNA position 1390, T replaced by G.
Protein change: p.Tyr464Asp; replaces tyrosine 464 with aspartic acid.
Molecular consequence: missense variant. On other transcripts: 5 prime UTR variant (1).
Genome position (GRCh38, 1-based): chr19:49,182,704, T>G. VCF-style: chr19-49182704-T-G. GRCh37 (hg19) VCF-style: chr19-49685961-T-G.
Other names: c.1390T>G, p.Tyr464Asp (NM_001195227.2); c.1045T>G, p.Tyr349Asp (NM_001321281.2); c.-164T>G (NM_001321282.2); c.868T>G, p.Tyr290Asp (NM_001321283.2); c.328T>G, p.Tyr110Asp (NM_001321285.2); short protein forms Y464D, Y349D, Y110D, Y290D.
Identifiers: ClinVar variation 468928 (VCV000468928.9), dbSNP rs1372517194, ClinGen allele CA406799244.
Genomic context (GRCh38, chr19:49,182,704, plus strand): 5'-CTCATTTCCCACGGCCTCAGCCTGGGCCACTTCCTGACCCCGATGCGCCTGGCCCAACTC[T>G]ACAGCGCGGCGCCCTCCAACTCGCTCATCCGCAACCTTTTGGACCAGGCGTCCCACAGCG-3'
Protein context (NP_060106.2, residues 454-474): FLTPMRLAQL[Tyr464Asp]SAAPSNSLIR

ClinVar aggregate classification (germline): Uncertain significance. Review status: criteria provided, multiple submitters, no conflicts (2 of 4 stars). 2 submissions from 2 submitters: Uncertain significance (2). Last evaluated 2025-09-28.

Conditions:
Progressive familial heart block type IB (PFHB1B). Identifiers: Orphanet 871, MedGen C1970298, MONDO:0011474, OMIM 604559.
Cardiovascular phenotype. Identifiers: MedGen CN230736.

Allele frequency attached by ClinVar (database versions not stated): TOPMed below 0.00001.

Submissions (2):

Ambry Genetics
Classification: Uncertain significance for Cardiovascular phenotype. Last evaluated: 2025-09-28. Review status: criteria provided, single submitter. Criteria: Ambry Variant Classification Scheme 2023. Collection method: clinical testing. Allele origin: germline.
Comment: The p.Y464D variant (also known as c.1390T>G), located in coding exon 11 of the TRPM4 gene, results from a T to G substitution at nucleotide position 1390. The tyrosine at codon 464 is replaced by aspartic acid, an amino acid with highly dissimilar properties. This amino acid position is conserved. In addition, this alteration is predicted to be deleterious by in silico analysis. Based on the available evidence, the clinical significance of this variant remains unclear.

Labcorp Genetics (formerly Invitae), Labcorp
Classification: Uncertain significance for Progressive familial heart block type IB. Last evaluated: 2024-04-10. Review status: criteria provided, single submitter. Criteria: Invitae Variant Classification Sherloc (09022015). Collection method: clinical testing. Allele origin: germline.
Comment: This sequence change replaces tyrosine, which is neutral and polar, with aspartic acid, which is acidic and polar, at codon 464 of the TRPM4 protein (p.Tyr464Asp). This variant is not present in population databases (gnomAD no frequency). This variant has not been reported in the literature in individuals affected with TRPM4-related conditions. ClinVar contains an entry for this variant (Variation ID: 468928). An algorithm developed to predict the effect of missense changes on protein structure and function (PolyPhen-2) suggests that this variant is likely to be disruptive. In summary, the available evidence is currently insufficient to determine the role of this variant in disease. Therefore, it has been classified as a Variant of Uncertain Significance.